The following is an entry in ClinVar:

NC_000010.10:g.(?_73326479)_(73337769_?)dup

Gene: CDH23 (cadherin related 23; plus strand). Cytogenetic location: 10q22.1.
Variant type: Duplication.
Identifiers: ClinVar variation 3245008 (VCV003245008.1).

ClinVar aggregate classification (germline): Likely pathogenic (1 of 4 stars; one submission).

Submission:

Labcorp Genetics (formerly Invitae), Labcorp
Classification: Likely pathogenic. Last evaluated: 2023-10-13. Review status: criteria provided, single submitter. Criteria: Invitae Variant Classification Sherloc (09022015). Collection method: clinical testing. Allele origin: unknown.
Comment: This variant results in a copy number gain of the genomic region encompassing exon(s) 7-9 of the CDH23 gene. While the exact position of this variant cannot be determined from the data, sub-genic copy number gains are generally in tandem (PMID: 25640679). This variant is predicted to be out-of-frame, and may result in an absent or disrupted protein product. Loss-of-function variants in CDH23 are known to be pathogenic (PMID: 11138009, 21940737). This variant has not been reported in the literature in individuals affected with CDH23-related conditions. In summary, the currently available evidence indicates that the variant is pathogenic, but additional data are needed to prove that conclusively. Therefore, this variant has been classified as Likely Pathogenic.

Literature cited by the submitters: PubMed 25640679; PubMed 11138009; PubMed 21940737.